The following is an entry in ClinVar:

NM_007286.6(SYNPO):c.776T>C (p.Met259Thr)

Gene: SYNPO (synaptopodin; plus strand). Cytogenetic location: 5q33.1.
Variant type: single nucleotide variant.
Coding change: c.776T>C on transcript NM_007286.6 (MANE Select); coding-DNA position 776, T replaced by C.
Protein change: p.Met259Thr; replaces methionine 259 with threonine.
Molecular consequence: missense variant.
Genome position (GRCh38, 1-based): chr5:150,649,051, T>C. VCF-style: chr5-150649051-T-C. GRCh37 (hg19) VCF-style: chr5-150028613-T-C.
Other names: c.776T>C, p.Met259Thr (NM_001109974.3); c.1508T>C, p.Met503Thr (NM_001166208.2, NM_001166209.2); short protein forms M503T, M259T.
Identifiers: ClinVar variation 2366900 (VCV002366900.5), dbSNP rs149502965, ClinGen allele CA3513281.
Genomic context (GRCh38, chr5:150,649,051, plus strand): 5'-CGGCCAGGCCTTTTGGGATCCAGGCGCCAGGGGGCACCAGCCAGATGGAGAGGAGCCCCA[T>C]GCTAGAGAGACGACATTTTGGGGAGAAGGCCCCGGCTCCCCAGCCCCCCAGTTTGCCAGA-3'
Protein context (NP_009217.3, residues 249-269): GGTSQMERSP[Met259Thr]LERRHFGEKA

ClinVar aggregate classification (germline): Uncertain significance. Review status: criteria provided, multiple submitters, no conflicts (2 of 4 stars). 2 submissions from 2 submitters: Uncertain significance (2). Last evaluated 2025-08-13.

Allele frequency attached by ClinVar (database versions not stated): ESP Exome Variant Server 0.00015; gnomAD 0.00011; TOPMed 0.00012; ExAC 0.00012.
gnomAD v4.1: 165 of 1,613,962 alleles (0.01%); highest among the groups gnomAD compares: Middle Eastern, 0.15%; no homozygotes.

Submissions (2):

Ambry Genetics
Classification: Uncertain significance. Last evaluated: 2025-08-13. Review status: criteria provided, single submitter. Criteria: Ambry Variant Classification Scheme 2023. Collection method: clinical testing. Allele origin: germline.

Labcorp Genetics (formerly Invitae), Labcorp
Classification: Uncertain significance. Last evaluated: 2025-06-12. Review status: criteria provided, single submitter. Criteria: Invitae Variant Classification Sherloc (09022015). Collection method: clinical testing. Allele origin: germline.
Comment: This sequence change replaces methionine, which is neutral and non-polar, with threonine, which is neutral and polar, at codon 259 of the SYNPO protein (p.Met259Thr). This variant is present in population databases (rs149502965, gnomAD 0.03%). This variant has not been reported in the literature in individuals affected with SYNPO-related conditions. ClinVar contains an entry for this variant (Variation ID: 2366900). An algorithm developed to predict the effect of missense changes on protein structure and function (PolyPhen-2) suggests that this variant is likely to be disruptive. In summary, the available evidence is currently insufficient to determine the role of this variant in disease. Therefore, it has been classified as a Variant of Uncertain Significance.